The following is an entry in ClinVar:

NM_032782.5(HAVCR2):c.479-30CT[13]

Gene: HAVCR2 (hepatitis A virus cellular receptor 2; minus strand). Cytogenetic location: 5q33.3.
Variant type: Microsatellite.
Coding change: c.479-30CT[13] on transcript NM_032782.5 (MANE Select); 13 copies in a row of the 2-base unit CT starting at c.479-30; the reference has 11 copies in a row; two copies, 4 bases duplicated.
Molecular consequence: intron variant.
Genome position (GRCh38, 1-based): chr5:157,098,910-157,098,913, AGAG duplicated on the plus strand (CTCT on the coding strand, the reverse complement: HAVCR2 is on the minus strand); duplicating any 4 consecutive bases within chr5:157,098,910-157,098,931 gives the same sequence; the position shown is the placement nearest the transcript's 3' end. VCF-style (leftmost placement, unchanged base first): chr5-157098909-A-AAGAG. GRCh37 (hg19) VCF-style: chr5-156525920-A-AAGAG.
Identifiers: ClinVar variation 3055791 (VCV003055791.3), dbSNP rs70984443, ClinGen allele CA3531894.

ClinVar aggregate classification (germline): Likely benign. Review status: criteria provided, single submitter (1 of 4 stars). 2 submissions from 2 submitters: Likely benign (1). 1 of the submissions does not count toward it. Last evaluated 2024-11-26.

Conditions:
HAVCR2-related disorder. Also called: HAVCR2-related condition.

Submissions (2):

Blueprint Genetics
Classification: Likely benign. Last evaluated: 2024-11-26. Review status: criteria provided, single submitter. Criteria: ACMG Guidelines, 2015. Collection method: clinical testing. Allele origin: germline.

PreventionGenetics, part of Exact Sciences
Classification: Likely benign for HAVCR2-related condition. Last evaluated: 2019-07-12. Review status: no assertion criteria provided. Collection method: clinical testing. Allele origin: germline. Not counted in ClinVar's aggregate classification.
Comment: This variant is classified as likely benign based on ACMG/AMP sequence variant interpretation guidelines (Richards et al. 2015 PMID: 25741868, with internal and published modifications).